The following is an entry in ClinVar:

ClinVar aggregate classification (germline): Pathogenic (1 of 4 stars; one submission).

Conditions:
Meckel-Gruber syndrome. Also called: DYSENCEPHALIA SPLANCHNOCYSTICA; GRUBER SYNDROME; Dysencephalia splachnocystica. Identifiers: Orphanet 564, MedGen C0265215, MONDO:0018921.
Joubert syndrome. Also called: CEREBELLOPARENCHYMAL DISORDER IV; JOUBERT-BOLTSHAUSER SYNDROME; Familial aplasia of the vermis. Identifiers: Orphanet 475, MedGen C5979921, MONDO:0018772.

Submission:

Labcorp Genetics (formerly Invitae), Labcorp
Classification: Pathogenic for Joubert syndrome; Meckel-Gruber syndrome. Last evaluated: 2024-10-23. Review status: criteria provided, single submitter. Criteria: Invitae Variant Classification Sherloc (09022015). Collection method: clinical testing. Allele origin: germline.
Comment: This sequence change creates a premature translational stop signal (p.Ala742Glnfs*15) in the RPGRIP1L gene. It is expected to result in an absent or disrupted protein product. Loss-of-function variants in RPGRIP1L are known to be pathogenic (PMID: 17558409). This variant is not present in population databases (gnomAD no frequency). This variant has not been reported in the literature in individuals affected with RPGRIP1L-related conditions. ClinVar contains an entry for this variant (Variation ID: 1454645). For these reasons, this variant has been classified as Pathogenic.

Literature cited by the submitters: PubMed 17558409.

NM_015272.5(RPGRIP1L):c.2223del (p.Ala742fs)

Gene: RPGRIP1L (RPGRIP1 like; minus strand). Cytogenetic location: 16q12.2.
Variant type: Deletion.
Coding change: c.2223del on transcript NM_015272.5 (MANE Select); coding-DNA position 2223, one base deleted (A; older notation c.2223delA).
Protein change: p.Ala742fs; shifts the reading frame from alanine 742.
Molecular consequence: frameshift variant.
Genome position (GRCh38, 1-based): chr16:53,649,045, T deleted on the plus strand (A on the coding strand, the reverse complement: RPGRIP1L is on the minus strand); the first of 2 consecutive T bases (chr16:53,649,045-53,649,046); deleting either gives the same sequence. VCF-style (leftmost placement, unchanged base first): chr16-53649044-CT-C. GRCh37 (hg19) VCF-style: chr16-53682956-CT-C.
Other names: c.2223del, p.Ala742fs (NM_001127897.4, NM_001308334.3, NM_001330538.2); short protein forms A742fs.
Identifiers: ClinVar variation 1454645 (VCV001454645.6), dbSNP rs2151102253, ClinGen allele CA2573152398.